The following is an entry in ClinVar:

NM_000368.5(TSC1):c.2664A>G (p.Leu888=)

Gene: TSC1 (TSC complex subunit 1; minus strand). Cytogenetic location: 9q34.13.
Variant type: single nucleotide variant.
Coding change: c.2664A>G on transcript NM_000368.5 (MANE Select); coding-DNA position 2664, A replaced by G.
Protein change: p.Leu888=; no amino-acid change (leucine 888 retained).
Molecular consequence: synonymous variant.
Genome position (GRCh38, 1-based): chr9:132,897,572, T>C on the plus strand (A>G on the coding strand, the complement: TSC1 is on the minus strand). VCF-style: chr9-132897572-T-C. GRCh37 (hg19) VCF-style: chr9-135772959-T-C.
Other names: c.2664A>G (NM_000368.4); c.2661A>G, p.Leu887= (NM_001162426.2); c.2511A>G, p.Leu837= (NM_001162427.2); c.2301A>G, p.Leu767= (NM_001362177.2).
Identifiers: ClinVar variation 1128922 (VCV001128922.11), dbSNP rs2131638076, ClinGen allele CA467813065.
Genomic context (GRCh38, chr9:132,897,572, plus strand): 5'-CCGTTTTTGGGAGGTATCAAGCCTCTGAGTCTGCTGGAGAACATGGCTTCTGTTTTTTTC[T>C]AGCTCTTTCCGATAGGCGGCTTTCATCATTTCTACTTCCTGAAAAAAAAAAAAAAAAAAG-3'
Protein context (NP_000359.1, residues 878-898): EMMKAAYRKE[Leu888=]EKNRSHVLQQ

ClinVar aggregate classification (germline): Benign/Likely benign. Review status: criteria provided, multiple submitters, no conflicts (2 of 4 stars). 3 submissions from 3 submitters: Benign (1); Likely benign (2). Last evaluated 2025-04-29.

Conditions:
Tuberous sclerosis 1 (TSC1). Identifiers: Orphanet 805, MedGen C1854465, MONDO:0008612, OMIM 191100.
Hereditary cancer-predisposing syndrome. Also called: Neoplastic Syndromes, Hereditary; Tumor predisposition; Hereditary Cancer Syndrome; Hereditary neoplastic syndrome. Identifiers: Orphanet 140162, MedGen C0027672, MeSH D009386, MONDO:0015356.

Allele frequency attached by ClinVar (database versions not stated): gnomAD exomes below 0.00001.

Submissions (3):

Myriad Genetics, Inc.
Classification: Benign for Tuberous sclerosis 1. Last evaluated: 2025-04-29. Review status: criteria provided, single submitter. Criteria: Myriad Autosomal Dominant, Autosomal Recessive and X-Linked Classification Criteria (2023). Collection method: clinical testing. Allele origin: unknown.
Comment: This variant is considered benign. This variant is a silent/synonymous amino acid change and it is not expected to impact splicing.

Labcorp Genetics (formerly Invitae), Labcorp
Classification: Likely benign for Tuberous sclerosis 1. Last evaluated: 2024-04-24. Review status: criteria provided, single submitter. Criteria: Invitae Variant Classification Sherloc (09022015). Collection method: clinical testing. Allele origin: germline.

Ambry Genetics
Classification: Likely benign for Hereditary cancer-predisposing syndrome. Last evaluated: 2023-03-31. Review status: criteria provided, single submitter. Criteria: Ambry Variant Classification Scheme 2023. Collection method: clinical testing. Allele origin: germline.